The following is an entry in ClinVar:

NM_000166.6(GJB1):c.127G>C (p.Val43Leu)

Gene: GJB1 (gap junction protein beta 1; plus strand). Cytogenetic location: Xq13.1.
Variant type: single nucleotide variant.
Coding change: c.127G>C on transcript NM_000166.6 (MANE Select); coding-DNA position 127, G replaced by C.
Protein change: p.Val43Leu; replaces valine 43 with leucine.
Molecular consequence: missense variant.
Genome position (GRCh38, 1-based): chrX:71,223,834, G>C. VCF-style: chrX-71223834-G-C. GRCh37 (hg19) VCF-style: chrX-70443684-G-C.
Other names: c.127G>C, p.Val43Leu (NM_001097642.3); short protein forms V43L.
Identifiers: ClinVar variation 939591 (VCV000939591.9), dbSNP rs1602348804, ClinGen allele CA413501027.

ClinVar aggregate classification (germline): Uncertain significance (1 of 4 stars; one submission).

Conditions:
Charcot-Marie-Tooth Neuropathy X. Identifiers: MedGen CN118851.

Submission:

Labcorp Genetics (formerly Invitae), Labcorp
Classification: Uncertain significance for Charcot-Marie-Tooth Neuropathy X. Last evaluated: 2020-07-24. Review status: criteria provided, single submitter. Criteria: Invitae Variant Classification Sherloc (09022015). Collection method: clinical testing. Allele origin: germline.
Comment: This sequence change replaces valine with leucine at codon 43 of the GJB1 protein (p.Val43Leu). The valine residue is highly conserved and there is a small physicochemical difference between valine and leucine. This variant is not present in population databases (ExAC no frequency). This variant has not been reported in the literature in individuals with GJB1-related conditions. Algorithms developed to predict the effect of missense changes on protein structure and function are either unavailable or do not agree on the potential impact of this missense change (SIFT: "Deleterious"; PolyPhen-2: "Probably Damaging"; Align-GVGD: "Class C0"). In summary, the available evidence is currently insufficient to determine the role of this variant in disease. Therefore, it has been classified as a Variant of Uncertain Significance.